The following is an entry in ClinVar:

ClinVar aggregate classification (germline): Likely benign. Review status: criteria provided, single submitter (1 of 4 stars). 2 submissions from 2 submitters: Likely benign (1). 1 of the submissions does not count toward it. Last evaluated 2025-12-17.

Conditions:
PYGM-related disorder. Also called: PYGM-related condition.
Glycogen storage disease, type V (GSD5). Also called: McArdle type glycogen storage disease; MCARDLE DISEASE; MUSCLE GLYCOGEN PHOSPHORYLASE DEFICIENCY; MYOPHOSPHORYLASE DEFICIENCY; PYGM DEFICIENCY. Identifiers: Orphanet 368, MedGen C0017924, MONDO:0009293, OMIM 232600.

Allele frequency attached by ClinVar (database versions not stated): gnomAD exomes 0.00001 and 0.00002; TOPMed 0.00002; ExAC 0.00003.
gnomAD v4.1: 5 of 1,614,206 alleles (0.00031%); highest among the groups gnomAD compares: Admixed American, 0.0083%; no homozygotes.

Submissions (2):

Labcorp Genetics (formerly Invitae), Labcorp
Classification: Likely benign for Glycogen storage disease, type V. Last evaluated: 2025-12-17. Review status: criteria provided, single submitter. Criteria: Invitae Variant Classification Sherloc (09022015). Collection method: clinical testing. Allele origin: germline.

PreventionGenetics, part of Exact Sciences
Classification: Likely benign for PYGM-related condition. Last evaluated: 2019-11-12. Review status: no assertion criteria provided. Collection method: clinical testing. Allele origin: germline. Not counted in ClinVar's aggregate classification.
Comment: This variant is classified as likely benign based on ACMG/AMP sequence variant interpretation guidelines (Richards et al. 2015 PMID: 25741868, with internal and published modifications).

NM_005609.4(PYGM):c.31A>C (p.Arg11=)

Gene: PYGM (glycogen phosphorylase, muscle associated; minus strand). Cytogenetic location: 11q13.1.
Variant type: single nucleotide variant.
Coding change: c.31A>C on transcript NM_005609.4 (MANE Select); coding-DNA position 31, A replaced by C.
Protein change: p.Arg11=; no amino-acid change (arginine 11 retained).
Molecular consequence: synonymous variant.
Genome position (GRCh38, 1-based): chr11:64,759,868, T>G on the plus strand (A>C on the coding strand, the complement: PYGM is on the minus strand). VCF-style: chr11-64759868-T-G. GRCh37 (hg19) VCF-style: chr11-64527340-T-G.
Other names: c.31A>C, p.Arg11= (NM_001164716.1); c.31A>C (NM_005609.3).
Identifiers: ClinVar variation 1590484 (VCV001590484.10), dbSNP rs776312721, ClinGen allele CA6080389.